The following is an entry in ClinVar:

NM_001081.4(CUBN):c.7522G>A (p.Glu2508Lys)

Gene: CUBN (cubilin; minus strand). Cytogenetic location: 10p13.
Variant type: single nucleotide variant.
Coding change: c.7522G>A on transcript NM_001081.4 (MANE Select); coding-DNA position 7522, G replaced by A.
Protein change: p.Glu2508Lys; replaces glutamic acid 2508 with lysine.
Molecular consequence: missense variant.
Genome position (GRCh38, 1-based): chr10:16,913,822, C>T on the plus strand (G>A on the coding strand, the complement: CUBN is on the minus strand). VCF-style: chr10-16913822-C-T. GRCh37 (hg19) VCF-style: chr10-16955821-C-T.
Other names: short protein forms E2508K.
Identifiers: ClinVar variation 2720711 (VCV002720711.3), dbSNP rs147667741, ClinGen allele CA5423338.

ClinVar aggregate classification (germline): Uncertain significance. Review status: criteria provided, multiple submitters, no conflicts (2 of 4 stars). 3 submissions from 3 submitters: Uncertain significance (3). Last evaluated 2025-07-15.

Conditions:
Imerslund-Grasbeck syndrome. Also called: ENTEROCYTE COBALAMIN MALABSORPTION; ENTEROCYTE INTRINSIC FACTOR RECEPTOR, DEFECT OF; Megaloblastic anemia due to inborn errors of metabolism; PERNICIOUS ANEMIA, JUVENILE, DUE TO SELECTIVE INTESTINAL MALABSORPTION OF VITAMIN B12, WITH PROTEINURIA; Imerslund-Gräsbeck syndrome. Identifiers: Orphanet 35858, MedGen C4551825, MONDO:0009853.

Allele frequency attached by ClinVar (database versions not stated): ESP Exome Variant Server 0.00008; gnomAD 0.00008; TOPMed 0.00009; ExAC 0.00010; gnomAD exomes 0.00013.
gnomAD v4.1: 199 of 1,613,500 alleles (0.012%); highest among the groups gnomAD compares: Non-Finnish European, 0.016%; no homozygotes.

Submissions (3):

Centre of Medical Genetics, University Hospital Muenster
Classification: Uncertain significance. Last evaluated: 2025-07-15. Review status: criteria provided, single submitter. Criteria: ACMG Guidelines, 2015. Collection method: clinical testing. Allele origin: unknown. Affected: yes. Observed: 1 variant allele, 1 heterozygote.
Comment: ACMG categories: PM2_sup

Labcorp Genetics (formerly Invitae), Labcorp
Classification: Uncertain significance for Imerslund-Grasbeck syndrome. Last evaluated: 2023-06-03. Review status: criteria provided, single submitter. Criteria: Invitae Variant Classification Sherloc (09022015). Collection method: clinical testing. Allele origin: germline.
Comment: This sequence change replaces glutamic acid, which is acidic and polar, with lysine, which is basic and polar, at codon 2508 of the CUBN protein (p.Glu2508Lys). In summary, the available evidence is currently insufficient to determine the role of this variant in disease. Therefore, it has been classified as a Variant of Uncertain Significance. Advanced modeling of protein sequence and biophysical properties (such as structural, functional, and spatial information, amino acid conservation, physicochemical variation, residue mobility, and thermodynamic stability) performed at Invitae indicates that this missense variant is expected to disrupt CUBN protein function. This variant has not been reported in the literature in individuals affected with CUBN-related conditions. This variant is present in population databases (rs147667741, gnomAD 0.02%).

Blueprint Genetics
Classification: Uncertain significance. Last evaluated: 2022-01-25. Review status: criteria provided, single submitter. Criteria: ACMG Guidelines, 2015. Collection method: clinical testing. Allele origin: germline.